The following is an entry in ClinVar:

NM_014956.5(CEP164):c.133G>T (p.Glu45Ter)

Gene: CEP164 (centrosomal protein 164; plus strand). Cytogenetic location: 11q23.3.
Variant type: single nucleotide variant.
Coding change: c.133G>T on transcript NM_014956.5 (MANE Select); coding-DNA position 133, G replaced by T.
Protein change: p.Glu45Ter; replaces glutamic acid 45 with a stop codon.
Molecular consequence: nonsense.
Genome position (GRCh38, 1-based): chr11:117,344,216, G>T. VCF-style: chr11-117344216-G-T. GRCh37 (hg19) VCF-style: chr11-117214932-G-T.
Other names: c.133G>T, p.Glu45Ter (NM_001271933.2); short protein forms E45*.
Identifiers: ClinVar variation 3618891 (VCV003618891.2).
Genomic context (GRCh38, chr11:117,344,216, plus strand): 5'-CTCCTTGCAGAAATTCTTGAATTTGCCCGGGAGATTGGTATTGATCCCATCAAGGAACCA[G>T]AACTGATGTGGCTGGCGCGAGAGGGCATCGTGGCCCCACTGCCTGGAGAGTGGAAACCAT-3'

ClinVar aggregate classification (germline): Pathogenic (1 of 4 stars; one submission).

Conditions:
Nephronophthisis 15 (NPHP15). Identifiers: Orphanet 3156, MedGen C3541853, MONDO:0013917, OMIM 614845.

Submission:

Labcorp Genetics (formerly Invitae), Labcorp
Classification: Pathogenic for Nephronophthisis 15. Last evaluated: 2025-07-23. Review status: criteria provided, single submitter. Criteria: Invitae Variant Classification Sherloc (09022015). Collection method: clinical testing. Allele origin: germline.
Comment: This sequence change creates a premature translational stop signal (p.Glu45*) in the CEP164 gene. It is expected to result in an absent or disrupted protein product. Loss-of-function variants in CEP164 are known to be pathogenic (PMID: 22863007, 28125082, 32367404, 34132027, 34499853). This variant is not present in population databases (gnomAD no frequency). This variant has not been reported in the literature in individuals affected with CEP164-related conditions. ClinVar contains an entry for this variant (Variation ID: 3618891). For these reasons, this variant has been classified as Pathogenic.

Literature cited by the submitters: PubMed 22863007; PubMed 28125082; PubMed 32367404; PubMed 34132027; PubMed 34499853.